The following is an entry in ClinVar:

NM_007194.4(CHEK2):c.647dup (p.Leu216fs)

Gene: CHEK2 (checkpoint kinase 2; minus strand). Cytogenetic location: 22q12.1.
Variant type: Duplication.
Coding change: c.647dup on transcript NM_007194.4 (MANE Select); coding-DNA position 647, one base duplicated (T; older notation c.647dupT).
Protein change: p.Leu216fs; shifts the reading frame from leucine 216.
Molecular consequence: frameshift variant. On other transcripts: 5 prime UTR variant (2), intron variant (1).
Genome position (GRCh38, 1-based): chr22:28,719,431, A duplicated on the plus strand (T on the coding strand, the reverse complement: CHEK2 is on the minus strand); the first of 2 consecutive A bases (chr22:28,719,431-28,719,432); duplicating either gives the same sequence. VCF-style (leftmost placement, unchanged base first): chr22-28719430-T-TA. GRCh37 (hg19) VCF-style: chr22-29115418-T-TA.
Other names: c.776dup, p.Leu259fs (NM_001005735.3, NM_001438294.1); c.-17dup (NM_001257387.3, NM_001437942.1); c.740dup, p.Leu247fs (NM_001438293.1, NM_001438295.1); c.647dup, p.Leu216fs (NM_145862.3); c.482+5455dup (NM_001349956.3); short protein forms L216fs, L259fs, L247fs.
Identifiers: ClinVar variation 2810647 (VCV002810647.3), dbSNP rs2146005916, ClinGen allele CA2739265676.

ClinVar aggregate classification (germline): Pathogenic (1 of 4 stars; one submission).

Conditions:
Familial cancer of breast. Also called: BREAST CANCER, FAMILIAL; hereditary breast carcinoma; Hereditary breast cancer. Identifiers: Orphanet 227535, MedGen C0346153, MONDO:0016419, OMIM 114480. Disease mechanism: loss of function.

Submission:

Labcorp Genetics (formerly Invitae), Labcorp
Classification: Pathogenic for Familial cancer of breast. Last evaluated: 2022-10-29. Review status: criteria provided, single submitter. Criteria: Invitae Variant Classification Sherloc (09022015). Collection method: clinical testing. Allele origin: germline.
Comment: This sequence change creates a premature translational stop signal (p.Leu216Phefs*4) in the CHEK2 gene. It is expected to result in an absent or disrupted protein product. Loss-of-function variants in CHEK2 are known to be pathogenic (PMID: 21876083, 24713400). For these reasons, this variant has been classified as Pathogenic. This variant has not been reported in the literature in individuals affected with CHEK2-related conditions. This variant is not present in population databases (gnomAD no frequency).

Literature cited by the submitters: PubMed 21876083; PubMed 24713400.